The following is an entry in ClinVar:

ClinVar aggregate classification (germline): Pathogenic/Likely pathogenic. Review status: criteria provided, multiple submitters, no conflicts (2 of 4 stars). 6 submissions from 6 submitters: Pathogenic (4); Likely pathogenic (1). 1 of the submissions does not count toward it. Last evaluated 2025-02-16.

Conditions:
Pyogenic bacterial infections due to MyD88 deficiency (IMD68). Also called: PYOGENIC BACTERIAL INFECTIONS, RECURRENT, DUE TO MYD88 DEFICIENCY. Identifiers: Orphanet 183713, MedGen C2677092, MONDO:0012839, OMIM 612260.

Submissions (6):

Laboratory of Genetics, Children's Clinical University Hospital Latvia
Classification: Pathogenic. Last evaluated: 2025-02-16. Review status: criteria provided, single submitter. Criteria: ACMG Guidelines, 2015. Collection method: clinical testing. Allele origin: germline. Affected: yes.

Department of Human Genetics, Hannover Medical School
Classification: Pathogenic for Pyogenic bacterial infections due to MyD88 deficiency. Last evaluated: 2021-11-03. Review status: criteria provided, single submitter. Criteria: ACMG Guidelines, 2015. Collection method: clinical testing. Allele origin: inherited. Inheritance: Autosomal recessive inheritance. Affected: yes.

Labcorp Genetics (formerly Invitae), Labcorp
Classification: Likely pathogenic for Pyogenic bacterial infections due to MyD88 deficiency. Last evaluated: 2021-07-15. Review status: criteria provided, single submitter. Criteria: Invitae Variant Classification Sherloc (09022015). Collection method: clinical testing. Allele origin: germline.
Comment: This variant, c.196_198del, results in the deletion of 1 amino acid(s) of the MYD88 protein (p.Glu66del), but otherwise preserves the integrity of the reading frame. In summary, the currently available evidence indicates that the variant is pathogenic, but additional data are needed to prove that conclusively. Therefore, this variant has been classified as Likely Pathogenic. Experimental studies have shown that this variant affects MYD88 protein function (PMID: 18669862, 24316379). Algorithms developed to predict the effect of variants on protein structure and function are not available or were not evaluated for this variant. ClinVar contains an entry for this variant (Variation ID: 235259). This variant is also known as E52del, E53del, or c.195_197delGGA. This variant has been observed in individual(s) with pyogenic bacterial infections (PMID: 18669862, 21057262, 25344726, 26632527). It has also been observed to segregate with disease in related individuals. This variant is not present in population databases (ExAC no frequency).

CeGaT Center for Human Genetics Tuebingen
Classification: Pathogenic. Last evaluated: 2019-01-01. Review status: criteria provided, single submitter. Criteria: CeGaT Center For Human Genetics Tuebingen Variant Classification Criteria Version 2. Collection method: clinical testing. Allele origin: germline. Affected: yes. Observed: 1 variant allele.

Center for Pediatric Genomic Medicine, Children's Mercy Hospital and Clinics
Classification: Pathogenic. Last evaluated: 2015-02-26. Review status: criteria provided, single submitter. Criteria: ACMG Guidelines, 2015. Collection method: clinical testing. Allele origin: germline.

OMIM
Classification: Pathogenic for IMMUNODEFICIENCY 68. Last evaluated: 2008-08-01. Review status: no assertion criteria provided. Collection method: literature only. Allele origin: germline. Not counted in ClinVar's aggregate classification.

Literature cited by the submitters: PubMed 18669862 (cited by Labcorp Genetics (formerly Invitae), Labcorp and OMIM); PubMed 24316379 (cited by Labcorp Genetics (formerly Invitae), Labcorp); PubMed 21057262 (cited by Labcorp Genetics (formerly Invitae), Labcorp and OMIM); PubMed 25344726 (cited by Labcorp Genetics (formerly Invitae), Labcorp); PubMed 26632527 (cited by Labcorp Genetics (formerly Invitae), Labcorp).

NM_002468.5(MYD88):c.154GAG[1] (p.Glu53del)

Gene: MYD88 (MYD88 innate immune signal transduction adaptor; plus strand). Cytogenetic location: 3p22.2.
Variant type: Microsatellite.
Coding change: c.154GAG[1] on transcript NM_002468.5 (MANE Select); one copy of the 3-base unit GAG starting at c.154; the reference has two copies in a row; one copy, 3 bases deleted.
Protein change: p.Glu53del; deletes glutamic acid 53.
Molecular consequence: inframe deletion.
Genome position (GRCh38, 1-based): chr3:38,138,857-38,138,859, GAG deleted; deleting any 3 consecutive bases within chr3:38,138,853-38,138,859 gives the same sequence; the position shown is the placement nearest the transcript's 3' end. VCF-style (leftmost placement, unchanged base first): chr3-38138852-CGGA-C. GRCh37 (hg19) VCF-style: chr3-38180343-CGGA-C.
Other names: c.154GAG[1], p.Glu53del (NM_001172566.2, NM_001172567.2, NM_001172568.2 and 4 more transcripts); short protein forms E53del.
Identifiers: ClinVar variation 235259 (VCV000235259.49), dbSNP rs878852993, ClinGen allele CA10581257.